The following is an entry in ClinVar:

ClinVar aggregate classification (germline): Uncertain significance (1 of 4 stars; one submission).

Allele frequency attached by ClinVar (database versions not stated): gnomAD exomes below 0.00001; ExAC 0.00001; TOPMed 0.00001; gnomAD 0.00003.
gnomAD v4.1: 6 of 1,612,126 alleles (0.00037%); highest among the groups gnomAD compares: African/African-American, 0.008%; no homozygotes.

Submission:

Labcorp Genetics (formerly Invitae), Labcorp
Classification: Uncertain significance. Last evaluated: 2022-06-11. Review status: criteria provided, single submitter. Criteria: Invitae Variant Classification Sherloc (09022015). Collection method: clinical testing. Allele origin: germline.
Comment: This sequence change replaces proline, which is neutral and non-polar, with leucine, which is neutral and non-polar, at codon 296 of the CA4 protein (p.Pro296Leu). In summary, the available evidence is currently insufficient to determine the role of this variant in disease. Therefore, it has been classified as a Variant of Uncertain Significance. Algorithms developed to predict the effect of missense changes on protein structure and function are either unavailable or do not agree on the potential impact of this missense change (SIFT: "Not Available"; PolyPhen-2: "Possibly Damaging"; Align-GVGD: "Not Available"). This variant has not been reported in the literature in individuals affected with CA4-related conditions. This variant is present in population databases (rs765023035, gnomAD 0.01%).

NM_000717.5(CA4):c.887C>T (p.Pro296Leu)

Gene: CA4 (carbonic anhydrase 4; plus strand). Cytogenetic location: 17q23.1.
Variant type: single nucleotide variant.
Coding change: c.887C>T on transcript NM_000717.5 (MANE Select); coding-DNA position 887, C replaced by T.
Protein change: p.Pro296Leu; replaces proline 296 with leucine.
Molecular consequence: missense variant. On other transcripts: non-coding transcript variant (1).
Genome position (GRCh38, 1-based): chr17:60,159,372, C>T. VCF-style: chr17-60159372-C-T. GRCh37 (hg19) VCF-style: chr17-58236733-C-T.
Other names: short protein forms P296L.
Identifiers: ClinVar variation 2048100 (VCV002048100.4), dbSNP rs765023035, ClinGen allele CA8685566.